The following is an entry in ClinVar:

NM_144988.4(ALG14):c.570T>A (p.His190Gln)

Gene: ALG14 (ALG14 UDP-N-acetylglucosaminyltransferase subunit; minus strand). Cytogenetic location: 1p21.3.
Variant type: single nucleotide variant.
Coding change: c.570T>A on transcript NM_144988.4 (MANE Select); coding-DNA position 570, T replaced by A.
Protein change: p.His190Gln; replaces histidine 190 with glutamine.
Molecular consequence: missense variant. On other transcripts: 3 prime UTR variant (1), non-coding transcript variant (1).
Genome position (GRCh38, 1-based): chr1:94,983,157, A>T on the plus strand (T>A on the coding strand, the complement: ALG14 is on the minus strand). VCF-style: chr1-94983157-A-T. GRCh37 (hg19) VCF-style: chr1-95448713-A-T.
Other names: c.*139T>A (NM_001305242.2); short protein forms H190Q.
Identifiers: ClinVar variation 839108 (VCV000839108.4), dbSNP rs770065162, ClinGen allele CA961751.

ClinVar aggregate classification (germline): Uncertain significance. Review status: criteria provided, multiple submitters, no conflicts (2 of 4 stars). 2 submissions from 2 submitters: Uncertain significance (2). Last evaluated 2024-06-02.

Conditions:
Inborn genetic diseases. Identifiers: MedGen C0950123, MeSH D030342.
Congenital myasthenic syndrome 15. Also called: Myasthenic syndrome, congenital, 15, without tubular aggregates. Identifiers: Orphanet 353327, Orphanet 590, MedGen C4015596, MONDO:0014542, OMIM 616227.

Allele frequency attached by ClinVar (database versions not stated): gnomAD exomes below 0.00001; ExAC 0.00001; gnomAD 0.00002 and 0.00003; TOPMed 0.00002.

Submissions (2):

Ambry Genetics
Classification: Uncertain significance for Inborn genetic diseases. Last evaluated: 2024-06-02. Review status: criteria provided, single submitter. Criteria: Ambry Variant Classification Scheme 2023. Collection method: clinical testing. Allele origin: germline.

Labcorp Genetics (formerly Invitae), Labcorp
Classification: Uncertain significance for Congenital myasthenic syndrome 15. Last evaluated: 2022-08-30. Review status: criteria provided, single submitter. Criteria: Invitae Variant Classification Sherloc (09022015). Collection method: clinical testing. Allele origin: germline.
Comment: This sequence change replaces histidine, which is basic and polar, with glutamine, which is neutral and polar, at codon 190 of the ALG14 protein (p.His190Gln). This variant is present in population databases (rs770065162, gnomAD 0.002%). This variant has not been reported in the literature in individuals affected with ALG14-related conditions. ClinVar contains an entry for this variant (Variation ID: 839108). Algorithms developed to predict the effect of missense changes on protein structure and function are either unavailable or do not agree on the potential impact of this missense change (SIFT: "Tolerated"; PolyPhen-2: "Possibly Damaging"; Align-GVGD: "Class C0"). In summary, the available evidence is currently insufficient to determine the role of this variant in disease. Therefore, it has been classified as a Variant of Uncertain Significance.